The following is an entry in ClinVar:

NM_006767.4(LZTR1):c.1206C>G (p.Ile402Met)

Gene: LZTR1 (leucine zipper like post translational regulator 1; plus strand). Cytogenetic location: 22q11.21.
Variant type: single nucleotide variant.
Coding change: c.1206C>G on transcript NM_006767.4 (MANE Select); coding-DNA position 1206, C replaced by G.
Protein change: p.Ile402Met; replaces isoleucine 402 with methionine.
Molecular consequence: missense variant.
Genome position (GRCh38, 1-based): chr22:20,992,850, C>G. VCF-style: chr22-20992850-C-G. GRCh37 (hg19) VCF-style: chr22-21347139-C-G.
Other names: short protein forms I402M.
Identifiers: ClinVar variation 3869339 (VCV003869339.1).

ClinVar aggregate classification (germline): Uncertain significance (1 of 4 stars; one submission).

Conditions:
Cardiovascular phenotype. Identifiers: MedGen CN230736.
Hereditary cancer-predisposing syndrome. Also called: Tumor predisposition; Neoplastic Syndromes, Hereditary; Hereditary Cancer Syndrome; Hereditary neoplastic syndrome. Identifiers: Orphanet 140162, MedGen C0027672, MeSH D009386, MONDO:0015356.

Submission:

Ambry Genetics
Classification: Uncertain significance for Cardiovascular phenotype; Hereditary cancer-predisposing syndrome. Last evaluated: 2025-02-24. Review status: criteria provided, single submitter. Criteria: Ambry Variant Classification Scheme 2023. Collection method: clinical testing. Allele origin: germline.
Comment: The p.I402M variant (also known as c.1206C>G), located in coding exon 11 of the LZTR1 gene, results from a C to G substitution at nucleotide position 1206. The isoleucine at codon 402 is replaced by methionine, an amino acid with highly similar properties. This amino acid position is conserved. In addition, the in silico prediction for this alteration is inconclusive. Based on the available evidence, the clinical significance of this variant remains unclear.